The following is an entry in ClinVar:

ClinVar aggregate classification (germline): Uncertain significance (1 of 4 stars; one submission).

Submission:

Labcorp Genetics (formerly Invitae), Labcorp
Classification: Uncertain significance. Last evaluated: 2022-10-25. Review status: criteria provided, single submitter. Criteria: Invitae Variant Classification Sherloc (09022015). Collection method: clinical testing. Allele origin: germline.
Comment: In summary, the available evidence is currently insufficient to determine the role of this variant in disease. Therefore, it has been classified as a Variant of Uncertain Significance. Algorithms developed to predict the effect of missense changes on protein structure and function output the following: SIFT: "Tolerated"; PolyPhen-2: "Benign"; Align-GVGD: "Class C0". The serine amino acid residue is found in multiple mammalian species, which suggests that this missense change does not adversely affect protein function. This sequence change replaces asparagine, which is neutral and polar, with serine, which is neutral and polar, at codon 128 of the TWIST2 protein (p.Asn128Ser). This variant has not been reported in the literature in individuals affected with TWIST2-related conditions. This variant is not present in population databases (gnomAD no frequency).

NM_001271893.4(TWIST2):c.383A>G (p.Asn128Ser)

Gene: TWIST2 (twist family bHLH transcription factor 2; plus strand). Cytogenetic location: 2q37.3.
Variant type: single nucleotide variant.
Coding change: c.383A>G on transcript NM_001271893.4 (MANE Select); coding-DNA position 383, A replaced by G.
Protein change: p.Asn128Ser; replaces asparagine 128 with serine.
Molecular consequence: missense variant.
Genome position (GRCh38, 1-based): chr2:238,848,598, A>G. VCF-style: chr2-238848598-A-G. GRCh37 (hg19) VCF-style: chr2-239757239-A-G.
Other names: c.383A>G, p.Asn128Ser (NM_057179.3); short protein forms N128S.
Identifiers: ClinVar variation 1996752 (VCV001996752.4), dbSNP rs2469774153, ClinGen allele CA351463230.
Genomic context (GRCh38, chr2:238,848,598, plus strand): 5'-AGCTGGCCGCCAGGTACATAGACTTCCTCTACCAGGTCCTGCAGAGCGACGAGATGGACA[A>G]TAAGATGACCAGCTGCAGCTACGTGGCCCACGAGCGCCTCAGCTACGCCTTCTCCGTGTG-3'
Protein context (NP_001258822.1, residues 118-138): YQVLQSDEMD[Asn128Ser]KMTSCSYVAH